The following is an entry in ClinVar:

NM_000083.3(CLCN1):c.2509-2A>C

Gene: CLCN1 (chloride voltage-gated channel 1; plus strand). Cytogenetic location: 7q34.
Variant type: single nucleotide variant.
Coding change: c.2509-2A>C on transcript NM_000083.3 (MANE Select); the canonical splice acceptor site of the intron before coding-DNA position 2509, A replaced by C.
Molecular consequence: splice acceptor variant.
Genome position (GRCh38, 1-based): chr7:143,350,566, A>C. VCF-style: chr7-143350566-A-C. GRCh37 (hg19) VCF-style: chr7-143047659-A-C.
Identifiers: ClinVar variation 1901003 (VCV001901003.5), dbSNP rs2485444714, ClinGen allele CA369653118.

ClinVar aggregate classification (germline): Likely pathogenic (1 of 4 stars; one submission).

Conditions:
Congenital myotonia, autosomal recessive form. Also called: BECKER DISEASE; Becker Generalized Myotonia; myotonia congenita, autosomal recessive. Identifiers: Orphanet 614, MedGen C0751360, MONDO:0009715, OMIM 255700.
Congenital myotonia, autosomal dominant form (THD). Also called: THOMSEN DISEASE; Myotonia congenita autosomal dominant. Identifiers: Orphanet 614, MedGen C2936781, MONDO:0008055, OMIM 160800.

Submission:

Labcorp Genetics (formerly Invitae), Labcorp
Classification: Likely pathogenic for Congenital myotonia, autosomal recessive form; Congenital myotonia, autosomal dominant form. Last evaluated: 2021-12-17. Review status: criteria provided, single submitter. Criteria: Invitae Variant Classification Sherloc (09022015). Collection method: clinical testing. Allele origin: germline.
Comment: In summary, the currently available evidence indicates that the variant is pathogenic, but additional data are needed to prove that conclusively. Therefore, this variant has been classified as Likely Pathogenic. Algorithms developed to predict the effect of sequence changes on RNA splicing suggest that this variant may disrupt the consensus splice site. This variant has not been reported in the literature in individuals affected with CLCN1-related conditions. This variant is not present in population databases (gnomAD no frequency). This sequence change affects an acceptor splice site in intron 21 of the CLCN1 gene. It is expected to disrupt RNA splicing. Variants that disrupt the donor or acceptor splice site typically lead to a loss of protein function (PMID: 16199547), and loss-of-function variants in CLCN1 are known to be pathogenic (PMID: 17932099, 22094069, 23739125).

Literature cited by the submitters: PubMed 16199547; PubMed 17932099; PubMed 22094069; PubMed 23739125.